The following is an entry in ClinVar:

NM_007186.6(CEP250):c.248C>T (p.Pro83Leu)

Gene: CEP250 (centrosomal protein 250; plus strand). Cytogenetic location: 20q11.22.
Variant type: single nucleotide variant.
Coding change: c.248C>T on transcript NM_007186.6 (MANE Select); coding-DNA position 248, C replaced by T.
Protein change: p.Pro83Leu; replaces proline 83 with leucine.
Molecular consequence: missense variant. On other transcripts: 5 prime UTR variant (1).
Genome position (GRCh38, 1-based): chr20:35,465,747, C>T. VCF-style: chr20-35465747-C-T. GRCh37 (hg19) VCF-style: chr20-34053572-C-T.
Other names: c.-1652C>T (NM_001318219.1); short protein forms P83L.
Identifiers: ClinVar variation 1498868 (VCV001498868.6), dbSNP rs539687407, ClinGen allele CA9832571.
Genomic context (GRCh38, chr20:35,465,747, plus strand): 5'-TGGTCTGAGTGATGTTCTCTTTGGAGGTAAGTAAGGCTTGTCTCTGTCTGGCGCAGGGAC[C>T]AATCCCCCAGAGGTGGGAAAATGTGGAGGAGCCAAACCTGGATGAGCTGCTGGTCCGATT-3'
Protein context (NP_009117.2, residues 73-93): LEKRLEATGG[Pro83Leu]IPQRWENVEE

ClinVar aggregate classification (germline): Uncertain significance (1 of 4 stars; one submission).

Allele frequency attached by ClinVar (database versions not stated): gnomAD 0.00001; gnomAD exomes 0.00001; ExAC 0.00003; 1000 Genomes Project 30x 0.00016; 1000 Genomes Project 0.00020.
gnomAD v4.1: 15 of 1,599,368 alleles (0.00094%); highest among the groups gnomAD compares: South Asian, 0.017%; no homozygotes.

Submission:

Labcorp Genetics (formerly Invitae), Labcorp
Classification: Uncertain significance. Last evaluated: 2022-10-31. Review status: criteria provided, single submitter. Criteria: Invitae Variant Classification Sherloc (09022015). Collection method: clinical testing. Allele origin: germline.
Comment: In summary, the available evidence is currently insufficient to determine the role of this variant in disease. Therefore, it has been classified as a Variant of Uncertain Significance. Algorithms developed to predict the effect of missense changes on protein structure and function output the following: SIFT: "Not Available"; PolyPhen-2: "Benign"; Align-GVGD: "Not Available". The leucine amino acid residue is found in multiple mammalian species, which suggests that this missense change does not adversely affect protein function. This sequence change replaces proline with leucine at codon 83 of the CEP250 protein (p.Pro83Leu). The proline residue is weakly conserved and there is a moderate physicochemical difference between proline and leucine. This variant is present in population databases (rs539687407, gnomAD 0.007%). This variant has not been reported in the literature in individuals affected with CEP250-related conditions. ClinVar contains an entry for this variant (Variation ID: 1498868).